The following is an entry in ClinVar:

ClinVar aggregate classification (germline): Uncertain significance (1 of 4 stars; one submission).

Submission:

Ambry Genetics
Classification: Uncertain significance. Last evaluated: 2026-03-22. Review status: criteria provided, single submitter. Criteria: Ambry Variant Classification Scheme 2023. Collection method: clinical testing. Allele origin: germline.
Comment: The p.R223L variant (also known as c.668G>T), located in coding exon 1 of the MC1R gene, results from a G to T substitution at nucleotide position 668. The arginine at codon 223 is replaced by leucine, an amino acid with dissimilar properties. This amino acid position is conserved. In addition, this alteration is predicted to be tolerated by in silico analysis. Based on the available evidence, the clinical significance of this variant remains unclear.

NM_002386.4(MC1R):c.668G>T (p.Arg223Leu)

Gene: MC1R (melanocortin 1 receptor; plus strand). Cytogenetic location: 16q24.3.
Variant type: single nucleotide variant.
Coding change: c.668G>T on transcript NM_002386.4 (MANE Select); coding-DNA position 668, G replaced by T.
Protein change: p.Arg223Leu; replaces arginine 223 with leucine.
Molecular consequence: missense variant.
Genome position (GRCh38, 1-based): chr16:89,919,926, G>T. VCF-style: chr16-89919926-G-T. GRCh37 (hg19) VCF-style: chr16-89986334-G-T.
Other names: short protein forms R223L.
Identifiers: ClinVar variation 4859642 (VCV004859642.1).